The following is an entry in ClinVar:

NM_020949.3(SLC7A14):c.1957A>T (p.Ile653Phe)

Genes: SLC7A14 (solute carrier family 7 member 14; minus strand), SLC7A14-AS1 (SLC7A14 antisense RNA 1; plus strand). Cytogenetic location: 3q26.2.
Variant type: single nucleotide variant.
Coding change: c.1957A>T on transcript NM_020949.3 (MANE Select); coding-DNA position 1957, A replaced by T.
Protein change: p.Ile653Phe; replaces isoleucine 653 with phenylalanine.
Molecular consequence: missense variant.
Genome position (GRCh38, 1-based): chr3:170,480,325, T>A on the plus strand (A>T on the coding strand, the complement: SLC7A14 is on the minus strand). VCF-style: chr3-170480325-T-A. GRCh37 (hg19) VCF-style: chr3-170198114-T-A.
Other names: short protein forms I653F.
Identifiers: ClinVar variation 4716895 (VCV004716895.1).

ClinVar aggregate classification (germline): Uncertain significance (1 of 4 stars; one submission).

Submission:

Labcorp Genetics (formerly Invitae), Labcorp
Classification: Uncertain significance. Last evaluated: 2025-04-22. Review status: criteria provided, single submitter. Criteria: Invitae Variant Classification Sherloc (09022015). Collection method: clinical testing. Allele origin: germline.
Comment: This sequence change replaces isoleucine, which is neutral and non-polar, with phenylalanine, which is neutral and non-polar, at codon 653 of the SLC7A14 protein (p.Ile653Phe). This variant is not present in population databases (gnomAD no frequency). This variant has not been reported in the literature in individuals affected with SLC7A14-related conditions. An algorithm developed to predict the effect of missense changes on protein structure and function (PolyPhen-2) suggests that this variant is likely to be tolerated. In summary, the available evidence is currently insufficient to determine the role of this variant in disease. Therefore, it has been classified as a Variant of Uncertain Significance.